The following continues an entry in ClinVar:

NM_138694.4(PKHD1):c.10036T>C (p.Cys3346Arg)

Gene: PKHD1. ClinVar aggregate classification (germline): Conflicting classifications of pathogenicity. Likely pathogenic (1); Uncertain significance (15).

Submissions 17 to 21 of 21:

Medical Genetics Department, and Science and Technology Unit, Umm-al-Qura University
Classification: Pathogenic for Colon cancer. Last evaluated: 2018-10-06. Review status: no assertion criteria provided. Collection method: curation. Allele origin: unknown. Inheritance: Somatic mutation. Not counted in ClinVar's aggregate classification.
Comment: It is well established that the PKHD1 mutations are associated with autosomal recessive polycystic kidney disease (ARPKD). It has been shown that the silencing of the PKHD1 gene promotes cell migration and invasion; and in the category of cell adhesion and motility genes PKHD1 has the highest frequency of mutations. Although, PKHD1 mutations are also detected in certain cancer types, to our knowledge in rare tumors such as, amelanotic ano-rectal melanoma (AMM), are not reported. The anorectal- amelanotic melanoma (AMM) represents about 2% - 8% of all melanomas, almost 30% of anorectal melanomas are amelanotic, and they are distinct because they contain a little or no-pigmentation. In order to determine the PKHD1 gene mutation patterns in this tumor we have analyzed the tumor DNA by Ion Proton Next generation DNA sequencing. Next-generation DNA sequencing identified a pathogenic missense mutation (rs149798764) in this tumor, in g.348121T>C, NG_008753.1: on chromosome 6 it changes coding Cys3346Arg in PKHD1 gene. There are 8 submission presents for this variant with variant ID 198306 in ClinVar data base for this mutation. But for the AMM tumors this is the novel finding.

Counsyl
Classification: Uncertain significance for Polycystic kidney disease 4. Last evaluated: 2017-11-14. Review status: no assertion criteria provided. Collection method: clinical testing. Allele origin: unknown. Not counted in ClinVar's aggregate classification.

Natera, Inc.
Classification: Uncertain significance for Autosomal recessive polycystic kidney disease. Last evaluated: 2017-05-07. Review status: no assertion criteria provided. Collection method: clinical testing. Allele origin: germline. Not counted in ClinVar's aggregate classification.

Department of Pathology and Laboratory Medicine, Sinai Health System
Classification: Uncertain significance. Review status: no assertion criteria provided. Collection method: clinical testing. Allele origin: unknown. Affected: yes. Study: The Canadian Open Genetics Repository (COGR). Not counted in ClinVar's aggregate classification.

Molecular Biology Laboratory, Fundació Puigvert
Classification: Likely pathogenic for Polycystic kidney disease 4. Last evaluated: 2020-02-01. Review status: flagged submission. Criteria: ACMG Guidelines, 2015. Collection method: research. Allele origin: germline. Affected: yes. Study: KidneyPanel_2020. Not counted in ClinVar's aggregate classification.
ClinVar note: Reason: Outlier claim with insufficient supporting evidence

Literature cited by the submitters: PubMed 15805161 (cited by 4 submitters); PubMed 15108277 (cited by Women's Health and Genetics/Laboratory Corporation of America, LabCorp); PubMed 25701400 (cited by 4 submitters); PubMed 12846734 (cited by 6 submitters); PubMed 27884173 (cited by Women's Health and Genetics/Laboratory Corporation of America, LabCorp); PubMed 14741187 (cited by Women's Health and Genetics/Laboratory Corporation of America, LabCorp); PubMed 26354092 (cited by Women's Health and Genetics/Laboratory Corporation of America, LabCorp); PubMed 25646624 (cited by 4 submitters); PubMed 33742171 (cited by Women's Health and Genetics/Laboratory Corporation of America, LabCorp); PubMed 21493627 (cited by Women's Health and Genetics/Laboratory Corporation of America, LabCorp and Mayo Clinic Laboratories, Mayo Clinic); PubMed 34426522 (cited by Women's Health and Genetics/Laboratory Corporation of America, LabCorp); PubMed 34405919 (cited by Women's Health and Genetics/Laboratory Corporation of America, LabCorp); PubMed 33532864 (cited by Women's Health and Genetics/Laboratory Corporation of America, LabCorp and Molecular Biology Laboratory, Fundació Puigvert); PubMed 37372416 (cited by Women's Health and Genetics/Laboratory Corporation of America, LabCorp); PubMed 36550190 (cited by Women's Health and Genetics/Laboratory Corporation of America, LabCorp); PubMed 39473742 (cited by Women's Health and Genetics/Laboratory Corporation of America, LabCorp); PubMed 29844865 (cited by Women's Health and Genetics/Laboratory Corporation of America, LabCorp); PubMed 36657418 (cited by Women's Health and Genetics/Laboratory Corporation of America, LabCorp); PubMed 33716212 (cited by Women's Health and Genetics/Laboratory Corporation of America, LabCorp and Medical Genetics Department, and Science and Technology Unit, Umm-al-Qura University); PubMed 40223084 (cited by Women's Health and Genetics/Laboratory Corporation of America, LabCorp); PubMed 22563501 (cited by Women's Health and Genetics/Laboratory Corporation of America, LabCorp).